The following is an entry in ClinVar:

NM_031372.4(HNRNPDL):c.698A>G (p.Lys233Arg)

Gene: HNRNPDL (heterogeneous nuclear ribonucleoprotein D like; minus strand). Cytogenetic location: 4q21.22.
Variant type: single nucleotide variant.
Coding change: c.698A>G on transcript NM_031372.4 (MANE Select); coding-DNA position 698, A replaced by G.
Protein change: p.Lys233Arg; replaces lysine 233 with arginine.
Molecular consequence: missense variant. On other transcripts: non-coding transcript variant (1).
Genome position (GRCh38, 1-based): chr4:82,428,094, T>C on the plus strand (A>G on the coding strand, the complement: HNRNPDL is on the minus strand). VCF-style: chr4-82428094-T-C. GRCh37 (hg19) VCF-style: chr4-83349247-T-C.
Other names: c.698A>G, p.Lys233Arg (NM_001207000.1); short protein forms K233R.
Identifiers: ClinVar variation 1020822 (VCV001020822.9), dbSNP rs1226417270, ClinGen allele CA357170722.

ClinVar aggregate classification (germline): Uncertain significance (1 of 4 stars; one submission).

Conditions:
Autosomal dominant limb-girdle muscular dystrophy type 1G (LGMDD3). Also called: Limb-girdle muscular dystrophy, type 1G; MUSCULAR DYSTROPHY, LIMB-GIRDLE, AUTOSOMAL DOMINANT 3. Identifiers: Orphanet 55596, MedGen C1836765, MONDO:0012193, OMIM 609115.

Allele frequency attached by ClinVar (database versions not stated): gnomAD exomes below 0.00001 and 0.00001; TOPMed below 0.00001.
gnomAD v4.1: 3 of 1,614,146 alleles (0.00019%); highest among the groups gnomAD compares: East Asian, 0.0022%; no homozygotes.

Submission:

Labcorp Genetics (formerly Invitae), Labcorp
Classification: Uncertain significance for Autosomal dominant limb-girdle muscular dystrophy type 1G. Last evaluated: 2022-07-12. Review status: criteria provided, single submitter. Criteria: Invitae Variant Classification Sherloc (09022015). Collection method: clinical testing. Allele origin: germline.
Comment: In summary, the available evidence is currently insufficient to determine the role of this variant in disease. Therefore, it has been classified as a Variant of Uncertain Significance. Algorithms developed to predict the effect of missense changes on protein structure and function are either unavailable or do not agree on the potential impact of this missense change (SIFT: "Deleterious"; PolyPhen-2: "Benign"; Align-GVGD: "Class C25"). ClinVar contains an entry for this variant (Variation ID: 1020822). This variant has not been reported in the literature in individuals affected with HNRNPDL-related conditions. This variant is present in population databases (no rsID available, gnomAD 0.003%). This sequence change replaces lysine, which is basic and polar, with arginine, which is basic and polar, at codon 233 of the HNRNPDL protein (p.Lys233Arg).